The following is an entry in ClinVar:

ClinVar aggregate classification (germline): Uncertain significance (1 of 4 stars; one submission).

Conditions:
Autosomal dominant nocturnal frontal lobe epilepsy 5. Also called: Epilepsy, nocturnal frontal lobe, 5; CILIARY DYSKINESIA, PRIMARY, 28, WITHOUT SITUS INVERSUS; CILIARY DYSKINESIA, PRIMARY, 28, WITH SITUS INVERSUS; KCNT1-Related Epilepsy. Identifiers: Orphanet 98784, MedGen C3554306, MONDO:0014002, OMIM 615005.
Developmental and epileptic encephalopathy, 14 (DEE14). Also called: Early infantile epileptic encephalopathy 14. Identifiers: Orphanet 293181, MedGen C3554195, MONDO:0013989, OMIM 614959.

Submission:

Labcorp Genetics (formerly Invitae), Labcorp
Classification: Uncertain significance for Autosomal dominant nocturnal frontal lobe epilepsy 5; Developmental and epileptic encephalopathy, 14. Last evaluated: 2023-11-27. Review status: criteria provided, single submitter. Criteria: Invitae Variant Classification Sherloc (09022015). Collection method: clinical testing. Allele origin: germline.
Comment: This variant, c.3679_3690del, results in the deletion of 4 amino acid(s) of the KCNT1 protein (p.Pro1227_Arg1230del), but otherwise preserves the integrity of the reading frame. This variant is not present in population databases (gnomAD no frequency). This variant has not been reported in the literature in individuals affected with KCNT1-related conditions. Experimental studies and prediction algorithms are not available or were not evaluated, and the functional significance of this variant is currently unknown. In summary, the available evidence is currently insufficient to determine the role of this variant in disease. Therefore, it has been classified as a Variant of Uncertain Significance.

NM_020822.3(KCNT1):c.3679_3690del (p.Pro1227_Arg1230del)

Gene: KCNT1 (potassium sodium-activated channel subfamily T member 1; plus strand). Cytogenetic location: 9q34.3.
Variant type: Deletion.
Coding change: c.3679_3690del on transcript NM_020822.3 (MANE Select); coding-DNA positions 3679 to 3690, 12 bases deleted (CCCGAGACTCGC).
Protein change: p.Pro1227_Arg1230del.
Molecular consequence: inframe deletion.
Genome position (GRCh38, 1-based): chr9:135,792,132-135,792,143, CCCGAGACTCGC deleted; deleting any 12 consecutive bases within chr9:135,792,131-135,792,143 gives the same sequence; the c. name uses the placement nearest the transcript's 3' end. VCF-style (leftmost placement, unchanged base first): chr9-135792130-ACCCCGAGACTCG-A. GRCh37 (hg19) VCF-style: chr9-138683976-ACCCCGAGACTCG-A.
Other names: c.3607_3618del, p.Pro1203_Arg1206del (NM_001272003.2).
Identifiers: ClinVar variation 2943529 (VCV002943529.3), dbSNP rs2491160669, ClinGen allele CA2740092950.